The following is an entry in ClinVar:

ClinVar aggregate classification (germline): Uncertain significance (1 of 4 stars; one submission).

Conditions:
Melnick-Fraser syndrome (BOR). Also called: Branchiootorenal syndrome; Branchiootorenal Syndrome (BORS); Branchio-oto-renal syndrome. Identifiers: Orphanet 107, MedGen C0265234, MONDO:0007029.

Allele frequency attached by ClinVar (database versions not stated): TOPMed below 0.00001; gnomAD 0.00001; gnomAD exomes 0.00001.
gnomAD v4.1: 15 of 1,613,864 alleles (0.00093%); highest among the groups gnomAD compares: Non-Finnish European, 0.0013%; no homozygotes.

Submission:

Labcorp Genetics (formerly Invitae), Labcorp
Classification: Uncertain significance for Melnick-Fraser syndrome. Last evaluated: 2023-04-14. Review status: criteria provided, single submitter. Criteria: Invitae Variant Classification Sherloc (09022015). Collection method: clinical testing. Allele origin: germline.
Comment: This variant has not been reported in the literature in individuals affected with EYA1-related conditions. ClinVar contains an entry for this variant (Variation ID: 1896817). Algorithms developed to predict the effect of sequence changes on RNA splicing suggest that this variant may disrupt the consensus splice site. In summary, the available evidence is currently insufficient to determine the role of this variant in disease. Therefore, it has been classified as a Variant of Uncertain Significance. This variant is present in population databases (no rsID available, gnomAD 0.0009%). This sequence change falls in intron 6 of the EYA1 gene. It does not directly change the encoded amino acid sequence of the EYA1 protein.

NM_000503.6(EYA1):c.419-5T>C

Gene: EYA1 (EYA transcriptional coactivator and phosphatase 1; minus strand). Cytogenetic location: 8q13.3.
Variant type: single nucleotide variant.
Coding change: c.419-5T>C on transcript NM_000503.6 (MANE Select); 5 bases into the intron before coding-DNA position 419, T replaced by C.
Molecular consequence: intron variant.
Genome position (GRCh38, 1-based): chr8:71,317,694, A>G on the plus strand (T>C on the coding strand, the complement: EYA1 is on the minus strand). VCF-style: chr8-71317694-A-G. GRCh37 (hg19) VCF-style: chr8-72229929-A-G.
Other names: c.419-5T>C (NM_172058.4, NM_001370335.1, NM_001370334.1); c.503-20T>C (NM_001370336.1); c.506-5T>C (NM_001370333.1); c.506-20T>C (NM_172059.5); c.68-20T>C (NM_001288575.2); c.416-20T>C (NM_001288574.2).
Identifiers: ClinVar variation 1896817 (VCV001896817.5), dbSNP rs1169267075, ClinGen allele CA582548115.